The following is an entry in ClinVar:

NM_006245.4(PPP2R5D):c.648CTT[1] (p.Phe217del)

Gene: PPP2R5D (protein phosphatase 2 regulatory subunit B'delta; plus strand). Cytogenetic location: 6p21.1.
Variant type: Microsatellite.
Coding change: c.648CTT[1] on transcript NM_006245.4 (MANE Select); one copy of the 3-base unit CTT starting at c.648; the reference has two copies in a row; one copy, 3 bases deleted.
Protein change: p.Phe217del; deletes phenylalanine 217.
Molecular consequence: inframe deletion.
Genome position (GRCh38, 1-based): chr6:43,007,431-43,007,433, CTT deleted; deleting any 3 consecutive bases within chr6:43,007,426-43,007,433 gives the same sequence; the position shown is the placement nearest the transcript's 3' end. VCF-style (leftmost placement, unchanged base first): chr6-43007425-GTTC-G. GRCh37 (hg19) VCF-style: chr6-42975163-GTTC-G.
Other names: c.195CTT[1], p.Phe66del (NM_001270476.2); c.552CTT[1], p.Phe185del (NM_180976.3); c.330CTT[1], p.Phe111del (NM_180977.3); short protein forms F111del, F185del, F66del, F217del.
Identifiers: ClinVar variation 2701858 (VCV002701858.3), dbSNP rs2150279007, ClinGen allele CA2697553380.

ClinVar aggregate classification (germline): Uncertain significance (1 of 4 stars; one submission).

Submission:

Labcorp Genetics (formerly Invitae), Labcorp
Classification: Uncertain significance. Last evaluated: 2024-05-15. Review status: criteria provided, single submitter. Criteria: Invitae Variant Classification Sherloc (09022015). Collection method: clinical testing. Allele origin: germline.
Comment: This variant, c.651_653del, results in the deletion of 1 amino acid(s) of the PPP2R5D protein (p.Phe217del), but otherwise preserves the integrity of the reading frame. This variant is not present in population databases (gnomAD no frequency). This variant has not been reported in the literature in individuals affected with PPP2R5D-related conditions. Experimental studies and prediction algorithms are not available or were not evaluated, and the functional significance of this variant is currently unknown. In summary, the available evidence is currently insufficient to determine the role of this variant in disease. Therefore, it has been classified as a Variant of Uncertain Significance.